The following is an entry in ClinVar:

ClinVar aggregate classification (germline): Likely benign (1 of 4 stars; one submission).

Submission:

CeGaT Center for Human Genetics Tuebingen
Classification: Likely benign. Last evaluated: 2026-09-01. Review status: criteria provided, single submitter. Criteria: CeGaT Center For Human Genetics Tuebingen Variant Classification Criteria Version 2. Collection method: clinical testing. Allele origin: germline. Affected: yes. Observed: 1 variant allele.
Comment: POU4F1: BS2

NM_006237.4(POU4F1):c.471_472insCCG (p.Gly157_Gly158insPro)

Genes: OBI1-AS1 (OBI1 antisense RNA 1; plus strand), POU4F1 (POU class 4 homeobox 1; minus strand). Cytogenetic location: 13q31.1.
Variant type: Insertion.
Coding change: c.471_472insCCG on transcript NM_006237.4 (MANE Select); coding-DNA positions 471 to 472, CCG inserted.
Protein change: p.Gly157_Gly158insPro.
Genome position: GRCh38 VCF-style: chr13-78602203-C-CCGG. GRCh37 (hg19) VCF-style: chr13-79176338-C-CCGG.
Identifiers: ClinVar variation 5041218 (VCV005041218.1).